The following is an entry in ClinVar:

ClinVar aggregate classification (germline): Uncertain significance. Review status: criteria provided, multiple submitters, no conflicts (2 of 4 stars). 2 submissions from 2 submitters: Uncertain significance (2). Last evaluated 2023-09-11.

Conditions:
Hereditary cancer-predisposing syndrome. Also called: Neoplastic Syndromes, Hereditary; Tumor predisposition; Hereditary Cancer Syndrome; Hereditary neoplastic syndrome. Identifiers: Orphanet 140162, MedGen C0027672, MeSH D009386, MONDO:0015356.

Allele frequency attached by ClinVar (database versions not stated): gnomAD exomes below 0.00001.
gnomAD v4.1: 7 of 1,608,072 alleles (0.00044%); highest among the groups gnomAD compares: Non-Finnish European, 0.00051%; no homozygotes.

Submissions (2):

Ambry Genetics
Classification: Uncertain significance for Hereditary cancer-predisposing syndrome. Last evaluated: 2023-09-11. Review status: criteria provided, single submitter. Criteria: Ambry Variant Classification Scheme 2023. Collection method: clinical testing. Allele origin: germline.
Comment: The p.Q35R variant (also known as c.104A>G), located in coding exon 1 of the CTNNA1 gene, results from an A to G substitution at nucleotide position 104. The glutamine at codon 35 is replaced by arginine, an amino acid with highly similar properties. This amino acid position is highly conserved in available vertebrate species. In addition, this alteration is predicted to be deleterious by in silico analysis. The evidence for this gene-disease relationship is limited; therefore, the clinical significance of this alteration is unclear.

Labcorp Genetics (formerly Invitae), Labcorp
Classification: Uncertain significance. Last evaluated: 2018-09-04. Review status: criteria provided, single submitter. Criteria: Invitae Variant Classification Sherloc (09022015). Collection method: clinical testing. Allele origin: germline.
Comment: This sequence change replaces glutamine with arginine at codon 35 of the CTNNA1 protein (p.Gln35Arg). The glutamine residue is highly conserved and there is a small physicochemical difference between glutamine and arginine. This variant is not present in population databases (ExAC no frequency). This variant has not been reported in the literature in individuals with CTNNA1-related disease. Algorithms developed to predict the effect of missense changes on protein structure and function are either unavailable or do not agree on the potential impact of this missense change (SIFT: "Deleterious"; PolyPhen-2: "Probably Damaging"; Align-GVGD: "Class C0"). In summary, the available evidence is currently insufficient to determine the role of this variant in disease. Therefore, it has been classified as a Variant of Uncertain Significance.

NM_001903.5(CTNNA1):c.104A>G (p.Gln35Arg)

Gene: CTNNA1 (catenin alpha 1; plus strand). Cytogenetic location: 5q31.2.
Variant type: single nucleotide variant.
Coding change: c.104A>G on transcript NM_001903.5 (MANE Select); coding-DNA position 104, A replaced by G.
Protein change: p.Gln35Arg; replaces glutamine 35 with arginine.
Molecular consequence: missense variant. On other transcripts: 5 prime UTR variant (2).
Genome position (GRCh38, 1-based): chr5:138,782,028, A>G. VCF-style: chr5-138782028-A-G. GRCh37 (hg19) VCF-style: chr5-138117717-A-G.
Other names: c.104A>G (NM_001903.2); c.104A>G, p.Gln35Arg (NM_001290307.3, NM_001323982.2, NM_001323983.1 and 3 more transcripts); c.-10A>G (NM_001290309.3); c.-103A>G (NM_001290310.3); short protein forms Q35R.
Identifiers: ClinVar variation 641436 (VCV000641436.3), dbSNP rs1580978232, ClinGen allele CA361477244.